The following is an entry in ClinVar:

NM_005548.3(KARS1):c.1078+7C>T

Gene: KARS1 (lysyl-tRNA synthetase 1; minus strand). Cytogenetic location: 16q23.1.
Variant type: single nucleotide variant.
Coding change: c.1078+7C>T on transcript NM_005548.3 (MANE Select); 7 bases into the intron after coding-DNA position 1078, C replaced by T.
Molecular consequence: intron variant.
Genome position (GRCh38, 1-based): chr16:75,631,686, G>A on the plus strand (C>T on the coding strand, the complement: KARS1 is on the minus strand). VCF-style: chr16-75631686-G-A. GRCh37 (hg19) VCF-style: chr16-75665584-G-A.
Other names: c.1162+7C>T (NM_001130089.2); c.610+7C>T (NM_001378148.1).
Identifiers: ClinVar variation 1330865 (VCV001330865.7), dbSNP rs2151802184, ClinGen allele CA2573054272.

ClinVar aggregate classification (germline): Uncertain significance (1 of 4 stars; one submission).

gnomAD v4.1: 3 of 1,614,186 alleles (0.00019%); highest among the groups gnomAD compares: Non-Finnish European, 0.00025%; no homozygotes.

Submission:

ARUP Laboratories, Molecular Genetics and Genomics, ARUP Laboratories
Classification: Uncertain significance. Last evaluated: 2021-10-14. Review status: criteria provided, single submitter. Criteria: ARUP Molecular Germline Variant Investigation Process 2021. Collection method: clinical testing. Allele origin: germline.
Comment: The KARS1 c.1162+7C>T variant, to our knowledge, is not reported in the medical literature or gene-specific databases. This variant is also absent from general population databases (Exome Variant Server, Genome Aggregation Database), indicating it is not a common polymorphism. This is an intronic variant in a weakly conserved nucleotide, and computational analyses (Alamut v.2.11) predict that this variant may impact splicing by weakening the nearby canonical donor splice site; however, RNA studies would be required to confirm this. Due to limited information, the clinical significance of the c.1162+7C>T variant is uncertain at this time.